The following is an entry in ClinVar:

ClinVar aggregate classification (germline): Uncertain significance (1 of 4 stars; one submission).

Conditions:
Fabry disease. Also called: ALPHA-GALACTOSIDASE A DEFICIENCY; ANDERSON-FABRY DISEASE; CERAMIDE TRIHEXOSIDASE DEFICIENCY; GLA DEFICIENCY; HEREDITARY DYSTOPIC LIPIDOSIS; Angiokeratoma corporis diffusum. Identifiers: Orphanet 324, MedGen C0002986, MONDO:0010526, OMIM 301500, HP:0001071. Disease mechanism: Fabry disease is due to inactivating mutations in the X-linked GLA gene resulting in deficiency of the enzyme Alpha Galactosidase-A., loss of function.

gnomAD v4.1: 1 of 1,210,656 alleles (0.000083%); highest among the groups gnomAD compares: South Asian, 0.0018%; no homozygotes.

Submission:

Genomenon, Inc
Classification: Uncertain significance for Fabry disease. Last evaluated: 2026-09-08. Review status: criteria provided, single submitter. Criteria: Genomenon Sequence Variant Interpretation Standards - Updated. Collection method: curation. Allele origin: germline. Affected: no.
Comment: GLA p.Phe169Leu (c.505T>C) is a missense variant that changes the amino acid at codon 169 from Phenylalanine to Leucine. This variant has been reported in the published literature (PMID:32023956). This variant is located in a mutational hotspot and/or important functional domain. It is absent or not present at a significant frequency in gnomAD. In silico models predict that this variant is possibly or probably damaging. In conclusion, we classify GLA p.Phe169Leu (c.505T>C) as a variant of uncertain significance.

Literature cited by the submitters: PubMed 32023956.

NM_000169.3(GLA):c.505T>C (p.Phe169Leu)

Genes: GLA (galactosidase alpha; minus strand), RPL36A-HNRNPH2 (RPL36A-HNRNPH2 readthrough; plus strand). Cytogenetic location: Xq22.1.
Variant type: single nucleotide variant.
Coding change: c.505T>C on transcript NM_000169.3 (MANE Select); coding-DNA position 505, T replaced by C.
Protein change: p.Phe169Leu; replaces phenylalanine 169 with leucine.
Molecular consequence: missense variant. On other transcripts: non-coding transcript variant (3), intron variant (2).
Genome position (GRCh38, 1-based): chrX:101,401,674, A>G on the plus strand (T>C on the coding strand, the complement: GLA is on the minus strand). VCF-style: chrX-101401674-A-G. GRCh37 (hg19) VCF-style: chrX-100656662-A-G.
Other names: c.628T>C, p.Phe210Leu (NM_001406747.1, NM_001406749.1); c.505T>C, p.Phe169Leu (NM_001406748.1); c.300+6217A>G (NM_001199973.2); c.177+9852A>G (NM_001199974.2); short protein forms F169L, F210L.
Identifiers: ClinVar variation 4087398 (VCV004087398.2).